The following is an entry in ClinVar:

ClinVar aggregate classification (germline): Likely pathogenic (1 of 4 stars; one submission).

Submission:

Geisinger Autism and Developmental Medicine Institute, Geisinger Health System
Classification: Likely pathogenic. Last evaluated: 2017-11-16. Review status: criteria provided, single submitter. Criteria: ACMG CNV Guidelines, 2011. Collection method: provider interpretation. Allele origin: de novo.
Comment: This deletion includes 25 genes, 4 of which have been associated with clinical disorders. Heterozygous missense variants in the TLL1 gene have been associated with atrial septal defects (Stanczak et al. 2009). A single missense variant in PALLD has been reported to increase susceptibility to pancreatic cancer. PALLD has conflicting literature regarding its link to pancreatic cancer risk, however. Some publications indicate a risk while other literature refutes this. Functionally, this variant has been shown to result in overexpression of the gene, and overexpression of the gene is not expected with a gene deletion (Pogue-Geile et al. 2006). Overlapping deletions have been reported in the literature in an individual with Robin sequence, mild developmental delays and ulnar anomalies and another individual with congenital heart defect, growth delay, and minor skeletal anomalies (Keeling et al. 2001; Xu et al. 2012). Overlapping deletions have been identified in several individuals in DECIPHER including an individual with a broad forehead, downslanted palpebral fissures, high anterior hairline, and intellectual disability (Case 257358). An overlapping variant was also submitted to ClinVar/dbVar in an individual with abnormal facial shape and learning disability (nsv532029).

Literature cited by the submitters: PubMed 18830233; PubMed 17194196; PubMed 11241465; PubMed 22302627.

Single allele

Genes: AADAT (aminoadipate aminotransferase; minus strand), ANP32C (acidic nuclear phosphoprotein 32 family member C; minus strand), ANXA10 (annexin A10; plus strand), CBR4 (carbonyl reductase 4; minus strand), CLCN3 (chloride voltage-gated channel 3; plus strand) and 20 more. Cytogenetic location: 4q32.2-34.1.
Variant type: Deletion.
Identifiers: ClinVar variation 560098 (VCV000560098.3).